The following is an entry in ClinVar:

ClinVar aggregate classification (germline): Uncertain significance (1 of 4 stars; one submission).

Allele frequency attached by ClinVar (database versions not stated): ExAC 0.00001; gnomAD 0.00001 and 0.00003; gnomAD exomes 0.00001 and 0.00002; TOPMed 0.00002.
gnomAD v4.1: 18 of 1,613,942 alleles (0.0011%); highest among the groups gnomAD compares: South Asian, 0.0055%; no homozygotes.

Submission:

Labcorp Genetics (formerly Invitae), Labcorp
Classification: Uncertain significance. Last evaluated: 2021-12-03. Review status: criteria provided, single submitter. Criteria: Invitae Variant Classification Sherloc (09022015). Collection method: clinical testing. Allele origin: germline.
Comment: This sequence change replaces threonine, which is neutral and polar, with methionine, which is neutral and non-polar, at codon 709 of the TARS2 protein (p.Thr709Met). This variant is present in population databases (rs766873527, gnomAD 0.01%). This variant has not been reported in the literature in individuals affected with TARS2-related conditions. Algorithms developed to predict the effect of missense changes on protein structure and function output the following: SIFT: "Tolerated"; PolyPhen-2: "Benign"; Align-GVGD: "Class C0". The methionine amino acid residue is found in multiple mammalian species, which suggests that this missense change does not adversely affect protein function. In summary, the available evidence is currently insufficient to determine the role of this variant in disease. Therefore, it has been classified as a Variant of Uncertain Significance.

NM_025150.5(TARS2):c.2126C>T (p.Thr709Met)

Gene: TARS2 (threonyl-tRNA synthetase 2, mitochondrial; plus strand). Cytogenetic location: 1q21.2.
Variant type: single nucleotide variant.
Coding change: c.2126C>T on transcript NM_025150.5 (MANE Select); coding-DNA position 2126, C replaced by T.
Protein change: p.Thr709Met; replaces threonine 709 with methionine.
Molecular consequence: missense variant. On other transcripts: non-coding transcript variant (2).
Genome position (GRCh38, 1-based): chr1:150,507,033, C>T. VCF-style: chr1-150507033-C-T. GRCh37 (hg19) VCF-style: chr1-150479509-C-T.
Other names: c.1880C>T, p.Thr627Met (NM_001271895.2); c.1736C>T, p.Thr579Met (NM_001271896.2); short protein forms T709M, T579M, T627M.
Identifiers: ClinVar variation 1403165 (VCV001403165.8), dbSNP rs766873527, ClinGen allele CA1077260.